The following is an entry in ClinVar:

ClinVar aggregate classification (germline): Benign/Likely benign. Review status: criteria provided, multiple submitters, no conflicts (2 of 4 stars). 4 submissions from 4 submitters: Benign (2); Likely benign (2). Last evaluated 2025-05-02.

Conditions:
Hereditary cancer-predisposing syndrome. Also called: Hereditary Cancer Syndrome; Neoplastic Syndromes, Hereditary; Hereditary neoplastic syndrome; Tumor predisposition. Identifiers: Orphanet 140162, MedGen C0027672, MeSH D009386, MONDO:0015356.
Tuberous sclerosis 2 (TSC2). Identifiers: Orphanet 805, MedGen C1860707, MONDO:0013199, OMIM 613254.

Submissions (4):

Myriad Genetics, Inc.
Classification: Benign for Tuberous sclerosis 2. Last evaluated: 2025-05-02. Review status: criteria provided, single submitter. Criteria: Myriad Autosomal Dominant, Autosomal Recessive and X-Linked Classification Criteria (2023). Collection method: clinical testing. Allele origin: unknown.
Comment: This variant is considered benign. This variant is a silent/synonymous amino acid change and it is not expected to impact splicing.

Labcorp Genetics (formerly Invitae), Labcorp
Classification: Likely benign for Tuberous sclerosis 2. Last evaluated: 2023-11-27. Review status: criteria provided, single submitter. Criteria: Invitae Variant Classification Sherloc (09022015). Collection method: clinical testing. Allele origin: germline.

Genome-Nilou Lab
Classification: Benign for Tuberous sclerosis 2. Last evaluated: 2021-11-07. Review status: criteria provided, single submitter. Criteria: ACMG Guidelines, 2015. Collection method: clinical testing. Allele origin: germline. Affected: no.

Ambry Genetics
Classification: Likely benign for Hereditary cancer-predisposing syndrome. Last evaluated: 2019-03-28. Review status: criteria provided, single submitter. Criteria: Ambry Variant Classification Scheme 2023. Collection method: clinical testing. Allele origin: germline.

NM_000548.5(TSC2):c.165C>T (p.Asn55=)

Gene: TSC2 (TSC complex subunit 2; plus strand). Cytogenetic location: 16p13.3.
Variant type: single nucleotide variant.
Coding change: c.165C>T on transcript NM_000548.5 (MANE Select); coding-DNA position 165, C replaced by T.
Protein change: p.Asn55=; no amino-acid change (asparagine 55 retained).
Molecular consequence: synonymous variant. On other transcripts: 5 prime UTR variant (1).
Genome position (GRCh38, 1-based): chr16:2,050,426, C>T. VCF-style: chr16-2050426-C-T. GRCh37 (hg19) VCF-style: chr16-2100427-C-T.
Other names: c.165C>T, p.Asn55= (NM_001077183.3, NM_001114382.3, NM_001318827.2 and 4 more transcripts); c.18C>T, p.Asn6= (NM_001318829.2); c.-62C>T (NM_001318831.2); c.198C>T, p.Asn66= (NM_001318832.2).
Identifiers: ClinVar variation 819736 (VCV000819736.16), dbSNP rs1596245687, ClinGen allele CA492954872.